The following is an entry in ClinVar:

ClinVar aggregate classification (germline): Likely pathogenic. Review status: criteria provided, multiple submitters, no conflicts (2 of 4 stars). 2 submissions from 2 submitters: Likely pathogenic (2). Last evaluated 2025-05-05.

Submissions (2):

Labcorp Genetics (formerly Invitae), Labcorp
Classification: Likely pathogenic. Last evaluated: 2025-05-05. Review status: criteria provided, single submitter. Criteria: Invitae Variant Classification Sherloc (09022015). Collection method: clinical testing. Allele origin: germline.
Comment: This sequence change affects a donor splice site in intron 5 of the SLC4A1 gene. It is expected to disrupt RNA splicing. Variants that disrupt the donor or acceptor splice site typically lead to a loss of protein function (PMID: 16199547), and loss-of-function variants in SLC4A1 are known to be pathogenic (PMID: 8943874, 10926824, 23255290). This variant is not present in population databases (gnomAD no frequency). This variant has not been reported in the literature in individuals affected with SLC4A1-related conditions. ClinVar contains an entry for this variant (Variation ID: 2433559). Algorithms developed to predict the effect of sequence changes on RNA splicing suggest that this variant may disrupt the consensus splice site. In summary, the currently available evidence indicates that the variant is pathogenic, but additional data are needed to prove that conclusively. Therefore, this variant has been classified as Likely Pathogenic.

Revvity Omics, Revvity
Classification: Likely pathogenic. Last evaluated: 2022-11-30. Review status: criteria provided, single submitter. Criteria: ACMG Guidelines, 2015. Collection method: clinical testing. Allele origin: germline.

Literature cited by the submitters: PubMed 16199547 (cited by Labcorp Genetics (formerly Invitae), Labcorp); PubMed 8943874 (cited by Labcorp Genetics (formerly Invitae), Labcorp); PubMed 10926824 (cited by Labcorp Genetics (formerly Invitae), Labcorp); PubMed 23255290 (cited by Labcorp Genetics (formerly Invitae), Labcorp).

NM_000342.4(SLC4A1):c.349+2T>C

Gene: SLC4A1 (solute carrier family 4 member 1 (Diego blood group); minus strand). Cytogenetic location: 17q21.31.
Variant type: single nucleotide variant.
Coding change: c.349+2T>C on transcript NM_000342.4 (MANE Select); the canonical splice donor site of the intron after coding-DNA position 349, T replaced by C.
Molecular consequence: splice donor variant.
Genome position (GRCh38, 1-based): chr17:44,260,633, A>G on the plus strand (T>C on the coding strand, the complement: SLC4A1 is on the minus strand). VCF-style: chr17-44260633-A-G. GRCh37 (hg19) VCF-style: chr17-42338001-A-G.
Identifiers: ClinVar variation 2433559 (VCV002433559.4), dbSNP rs2509970932, ClinGen allele CA399795565.
Genomic context (GRCh38, chr17:44,260,633, plus strand): 5'-GGCCACAGCACCCCACAACAATCCTCATCTGCAGGGGGTCCAGAAGGGCCCAGGAGGCTC[A>G]CCCTTGGTGAAGACTCTACGCAGCTCTAGGAGGCTCCAGAAGGTGAGGTGAGAGAGGTGC-3'